The following is an entry in ClinVar:

NM_032608.7(MYO18B):c.3958dup (p.Leu1320fs)

Gene: MYO18B (myosin XVIIIB; plus strand). Cytogenetic location: 22q12.1.
Variant type: Duplication.
Coding change: c.3958dup on transcript NM_032608.7 (MANE Select); coding-DNA position 3958, one base duplicated (C; older notation c.3958dupC).
Protein change: p.Leu1320fs; shifts the reading frame from leucine 1320.
Molecular consequence: frameshift variant.
Genome position (GRCh38, 1-based): chr22:25,874,292, C duplicated. VCF-style (leftmost placement, unchanged base first): chr22-25874291-T-TC. GRCh37 (hg19) VCF-style: chr22-26270258-T-TC.
Other names: c.3958dupC (NM_032608.6); c.3961dup, p.Leu1321fs (NM_001318245.2); short protein forms L1321fs, L1320fs.
Identifiers: ClinVar variation 1981423 (VCV001981423.5), dbSNP rs771068336, ClinGen allele CA10160716.

ClinVar aggregate classification (germline): Pathogenic/Likely pathogenic. Review status: criteria provided, multiple submitters, no conflicts (2 of 4 stars). 2 submissions from 2 submitters: Pathogenic (1); Likely pathogenic (1). Last evaluated 2026-08-27.

Conditions:
MYO18B-related disorder. Also called: MYO18B-related condition.

Allele frequency attached by ClinVar (database versions not stated): ExAC 0.00001; gnomAD 0.00001; gnomAD exomes 0.00002; TOPMed 0.00002; ESP Exome Variant Server 0.00009.

Submissions (2):

PreventionGenetics, part of Exact Sciences
Classification: Likely pathogenic for MYO18B-related condition. Last evaluated: 2026-08-27. Review status: criteria provided, single submitter. Criteria: ACMG Guidelines, 2015. Collection method: clinical testing. Allele origin: germline.
Comment: The MYO18B c.3958dupC variant is predicted to result in a frameshift and premature protein termination (p.Leu1320Profs*10). To our knowledge, this variant has not been reported in the literature. This variant is reported in 0.0018% of alleles in individuals of European (Non-Finnish) descent in gnomAD. Frameshift variants in MYO18B are expected to be pathogenic. This variant is interpreted as likely pathogenic.

Labcorp Genetics (formerly Invitae), Labcorp
Classification: Pathogenic. Last evaluated: 2025-12-03. Review status: criteria provided, single submitter. Criteria: Invitae Variant Classification Sherloc (09022015). Collection method: clinical testing. Allele origin: germline.
Comment: This sequence change creates a premature translational stop signal (p.Leu1320Profs*10) in the MYO18B gene. It is expected to result in an absent or disrupted protein product. Loss-of-function variants in MYO18B are known to be pathogenic (PMID: 25748484, 32184166, 32637634). This variant is present in population databases (rs771068336, gnomAD 0.002%). This variant has not been reported in the literature in individuals affected with MYO18B-related conditions. ClinVar contains an entry for this variant (Variation ID: 1981423). For these reasons, this variant has been classified as Pathogenic.

Literature cited by the submitters: PubMed 25748484 (cited by Labcorp Genetics (formerly Invitae), Labcorp); PubMed 32184166 (cited by Labcorp Genetics (formerly Invitae), Labcorp); PubMed 32637634 (cited by Labcorp Genetics (formerly Invitae), Labcorp).